The following is an entry in ClinVar:

NM_004655.4(AXIN2):c.808G>A (p.Gly270Arg)

Gene: AXIN2 (axin 2; minus strand). Cytogenetic location: 17q24.1.
Variant type: single nucleotide variant.
Coding change: c.808G>A on transcript NM_004655.4 (MANE Select); coding-DNA position 808, G replaced by A.
Protein change: p.Gly270Arg; replaces glycine 270 with arginine.
Molecular consequence: missense variant.
Genome position (GRCh38, 1-based): chr17:65,557,813, C>T on the plus strand (G>A on the coding strand, the complement: AXIN2 is on the minus strand). VCF-style: chr17-65557813-C-T. GRCh37 (hg19) VCF-style: chr17-63553931-C-T.
Other names: c.808G>A, p.Gly270Arg (NM_001363813.1); short protein forms G270R.
Identifiers: ClinVar variation 1383155 (VCV001383155.12), dbSNP rs2044291330, ClinGen allele CA400680196.

ClinVar aggregate classification (germline): Uncertain significance. Review status: criteria provided, multiple submitters, no conflicts (2 of 4 stars). 3 submissions from 3 submitters: Uncertain significance (3). Last evaluated 2025-12-29.

Conditions:
Hereditary cancer-predisposing syndrome. Also called: Tumor predisposition; Neoplastic Syndromes, Hereditary; Hereditary Cancer Syndrome; Hereditary neoplastic syndrome. Identifiers: Orphanet 140162, MedGen C0027672, MeSH D009386, MONDO:0015356.
Oligodontia-cancer predisposition syndrome. Also called: TOOTH AGENESIS-COLORECTAL CANCER SYNDROME. Identifiers: Orphanet 300576, MedGen C1837750, MONDO:0012075, OMIM 608615. Disease mechanism: loss of function.

Allele frequency attached by ClinVar (database versions not stated): TOPMed below 0.00001; gnomAD 0.00001.

Submissions (3):

Center for Genomic Medicine, Rigshospitalet, Copenhagen University Hospital
Classification: Uncertain significance. Last evaluated: 2025-12-29. Review status: criteria provided, single submitter. Criteria: ACMG Guidelines, 2015. Collection method: clinical testing. Allele origin: germline.

Ambry Genetics
Classification: Uncertain significance for Hereditary cancer-predisposing syndrome. Last evaluated: 2025-07-17. Review status: criteria provided, single submitter. Criteria: Ambry Variant Classification Scheme 2023. Collection method: clinical testing. Allele origin: germline.
Comment: The p.G270R variant (also known as c.808G>A), located in coding exon 1 of the AXIN2 gene, results from a G to A substitution at nucleotide position 808. The glycine at codon 270 is replaced by arginine, an amino acid with dissimilar properties. This amino acid position is well conserved in available vertebrate species. In addition, the in silico prediction for this alteration is inconclusive. Since supporting evidence is limited at this time, the clinical significance of this alteration remains unclear.

Labcorp Genetics (formerly Invitae), Labcorp
Classification: Uncertain significance for Oligodontia-cancer predisposition syndrome. Last evaluated: 2024-12-16. Review status: criteria provided, single submitter. Criteria: Invitae Variant Classification Sherloc (09022015). Collection method: clinical testing. Allele origin: germline.
Comment: This sequence change replaces glycine, which is neutral and non-polar, with arginine, which is basic and polar, at codon 270 of the AXIN2 protein (p.Gly270Arg). This variant is not present in population databases (gnomAD no frequency). This variant has not been reported in the literature in individuals affected with AXIN2-related conditions. ClinVar contains an entry for this variant (Variation ID: 1383155). Invitae Evidence Modeling of protein sequence and biophysical properties (such as structural, functional, and spatial information, amino acid conservation, physicochemical variation, residue mobility, and thermodynamic stability) indicates that this missense variant is not expected to disrupt AXIN2 protein function with a negative predictive value of 80%. In summary, the available evidence is currently insufficient to determine the role of this variant in disease. Therefore, it has been classified as a Variant of Uncertain Significance.